The following is an entry in ClinVar:

ClinVar aggregate classification (germline): Uncertain significance. Review status: criteria provided, multiple submitters, no conflicts (2 of 4 stars). 3 submissions from 3 submitters: Uncertain significance (3). Last evaluated 2024-07-30.

Conditions:
Nephrolithiasis/nephrocalcinosis. Identifiers: MedGen CN580796.
Autosomal dominant hypocalcemia 1 (HYPOC1). Also called: HYPOCALCEMIA, FAMILIAL. Identifiers: MedGen C3715128, MONDO:0011013, OMIM 601198.
Familial hypocalciuric hypercalcemia (FHH). Also called: Familial benign hypercalcemia. Identifiers: Orphanet 405, MedGen C1809471, MONDO:0018458.
Neonatal severe primary hyperparathyroidism. Identifiers: Orphanet 417, MedGen C1832615, MONDO:0009397, OMIM 239200.
Familial hypocalciuric hypercalcemia 1. Also called: Hypercalcemia, familial benign type 1. Identifiers: Orphanet 405, Orphanet 93372, MedGen C0342637, MONDO:0007791, OMIM 145980.
Epilepsy, idiopathic generalized, susceptibility to, 8. Identifiers: MedGen C2752062, MONDO:0013032, OMIM 612899.

Allele frequency attached by ClinVar (database versions not stated): gnomAD 0.00001.
gnomAD v4.1: 8 of 1,614,058 alleles (0.0005%); highest among the groups gnomAD compares: Non-Finnish European, 0.00059%; no homozygotes.

Submissions (3):

Labcorp Genetics (formerly Invitae), Labcorp
Classification: Uncertain significance for Familial hypocalciuric hypercalcemia; Autosomal dominant hypocalcemia 1. Last evaluated: 2024-07-30. Review status: criteria provided, single submitter. Criteria: Invitae Variant Classification Sherloc (09022015). Collection method: clinical testing. Allele origin: germline.
Comment: This sequence change replaces arginine, which is basic and polar, with glutamine, which is neutral and polar, at codon 392 of the CASR protein (p.Arg392Gln). This variant is not present in population databases (gnomAD no frequency). This variant has not been reported in the literature in individuals affected with CASR-related conditions. ClinVar contains an entry for this variant (Variation ID: 532614). An algorithm developed to predict the effect of missense changes on protein structure and function (PolyPhen-2) suggests that this variant is likely to be tolerated. In summary, the available evidence is currently insufficient to determine the role of this variant in disease. Therefore, it has been classified as a Variant of Uncertain Significance.

Fulgent Genetics
Classification: Uncertain significance for Familial hypocalciuric hypercalcemia 1; Neonatal severe primary hyperparathyroidism; Autosomal dominant hypocalcemia 1; Epilepsy, idiopathic generalized, susceptibility to, 8. Last evaluated: 2024-04-23. Review status: criteria provided, single submitter. Criteria: ACMG Guidelines, 2015. Collection method: clinical testing. Allele origin: germline.

Ambry Genetics
Classification: Uncertain significance for Nephrolithiasis/nephrocalcinosis. Last evaluated: 2022-04-22. Review status: criteria provided, single submitter. Criteria: Ambry Variant Classification Scheme 2023. Collection method: clinical testing. Allele origin: germline.
Comment: The p.R392Q variant (also known as c.1175G>A), located in coding exon 3 of the CASR gene, results from a G to A substitution at nucleotide position 1175. The arginine at codon 392 is replaced by glutamine, an amino acid with highly similar properties. This amino acid position is highly conserved in available vertebrate species. In addition, this alteration is predicted to be deleterious by in silico analysis. Since supporting evidence is limited at this time, the clinical significance of this alteration remains unclear.

NM_000388.4(CASR):c.1175G>A (p.Arg392Gln)

Gene: CASR (calcium sensing receptor; plus strand). Cytogenetic location: 3q21.1.
Variant type: single nucleotide variant.
Coding change: c.1175G>A on transcript NM_000388.4 (MANE Select); coding-DNA position 1175, G replaced by A.
Protein change: p.Arg392Gln; replaces arginine 392 with glutamine.
Molecular consequence: missense variant.
Genome position (GRCh38, 1-based): chr3:122,262,210, G>A. VCF-style: chr3-122262210-G-A. GRCh37 (hg19) VCF-style: chr3-121981057-G-A.
Other names: c.1175G>A, p.Arg392Gln (NM_001178065.2); short protein forms R392Q.
Identifiers: ClinVar variation 532614 (VCV000532614.13), dbSNP rs1287075426, ClinGen allele CA354152751.